The following is an entry in ClinVar:

NM_013266.4(CTNNA3):c.1729A>T (p.Thr577Ser)

Gene: CTNNA3 (catenin alpha 3; minus strand). Cytogenetic location: 10q21.3.
Variant type: single nucleotide variant.
Coding change: c.1729A>T on transcript NM_013266.4 (MANE Select); coding-DNA position 1729, A replaced by T.
Protein change: p.Thr577Ser; replaces threonine 577 with serine.
Molecular consequence: missense variant.
Genome position (GRCh38, 1-based): chr10:66,379,155, T>A on the plus strand (A>T on the coding strand, the complement: CTNNA3 is on the minus strand). VCF-style: chr10-66379155-T-A. GRCh37 (hg19) VCF-style: chr10-68138913-T-A.
Other names: c.1729A>T, p.Thr577Ser (NM_001127384.3); short protein forms T577S.
Identifiers: ClinVar variation 3681081 (VCV003681081.2).

ClinVar aggregate classification (germline): Uncertain significance (1 of 4 stars; one submission).

Conditions:
Arrhythmogenic right ventricular dysplasia 13. Also called: Arrhythmogenic right ventricular dysplasia, familial, 13; ARRHYTHMOGENIC RIGHT VENTRICULAR CARDIOMYOPATHY 13. Identifiers: MedGen C3810138, MONDO:0000908, OMIM 615616.

Submission:

Labcorp Genetics (formerly Invitae), Labcorp
Classification: Uncertain significance for Arrhythmogenic right ventricular dysplasia 13. Last evaluated: 2024-03-27. Review status: criteria provided, single submitter. Criteria: Invitae Variant Classification Sherloc (09022015). Collection method: clinical testing. Allele origin: germline.
Comment: This sequence change replaces threonine, which is neutral and polar, with serine, which is neutral and polar, at codon 577 of the CTNNA3 protein (p.Thr577Ser). This variant is not present in population databases (gnomAD no frequency). This variant has not been reported in the literature in individuals affected with CTNNA3-related conditions. Advanced modeling of protein sequence and biophysical properties (such as structural, functional, and spatial information, amino acid conservation, physicochemical variation, residue mobility, and thermodynamic stability) performed at Invitae indicates that this missense variant is not expected to disrupt CTNNA3 protein function with a negative predictive value of 80%. In summary, the available evidence is currently insufficient to determine the role of this variant in disease. Therefore, it has been classified as a Variant of Uncertain Significance.